The following is an entry in ClinVar:

ClinVar aggregate classification (germline): Uncertain significance. Review status: criteria provided, multiple submitters, no conflicts (2 of 4 stars). 2 submissions from 2 submitters: Uncertain significance (2). Last evaluated 2025-10-08.

Allele frequency attached by ClinVar (database versions not stated): gnomAD 0.00001; ExAC 0.00002; gnomAD exomes 0.00004; TOPMed 0.00011.
gnomAD v4.1: 68 of 1,614,064 alleles (0.0042%); highest among the groups gnomAD compares: Middle Eastern, 0.016%; no homozygotes.

Submissions (2):

Labcorp Genetics (formerly Invitae), Labcorp
Classification: Uncertain significance. Last evaluated: 2025-10-08. Review status: criteria provided, single submitter. Criteria: Invitae Variant Classification Sherloc (09022015). Collection method: clinical testing. Allele origin: germline.
Comment: This sequence change replaces arginine, which is basic and polar, with cysteine, which is neutral and slightly polar, at codon 91 of the IL18BP protein (p.Arg91Cys). This variant is present in population databases (rs779893942, gnomAD 0.007%). This variant has not been reported in the literature in individuals affected with IL18BP-related conditions. ClinVar contains an entry for this variant (Variation ID: 2045623). An algorithm developed to predict the effect of missense changes on protein structure and function (PolyPhen-2) suggests that this variant is likely to be disruptive. In summary, the available evidence is currently insufficient to determine the role of this variant in disease. Therefore, it has been classified as a Variant of Uncertain Significance.

Ambry Genetics
Classification: Uncertain significance. Last evaluated: 2024-05-30. Review status: criteria provided, single submitter. Criteria: Ambry Variant Classification Scheme 2023. Collection method: clinical testing. Allele origin: germline.

NM_001039660.2(IL18BP):c.271C>T (p.Arg91Cys)

Gene: IL18BP (interleukin 18 binding protein; plus strand). Cytogenetic location: 11q13.4.
Variant type: single nucleotide variant.
Coding change: c.271C>T on transcript NM_001039660.2 (MANE Select); coding-DNA position 271, C replaced by T.
Protein change: p.Arg91Cys; replaces arginine 91 with cysteine.
Molecular consequence: missense variant. On other transcripts: intron variant (1).
Genome position (GRCh38, 1-based): chr11:72,001,236, C>T. VCF-style: chr11-72001236-C-T. GRCh37 (hg19) VCF-style: chr11-71712282-C-T.
Other names: c.271C>T, p.Arg91Cys (NM_001039659.2, NM_001145057.1, NM_005699.3 and 2 more transcripts); c.236-548C>T (NM_001145055.1); short protein forms R91C.
Identifiers: ClinVar variation 2045623 (VCV002045623.5), dbSNP rs779893942, ClinGen allele CA6166176.